The following is an entry in ClinVar:

ClinVar aggregate classification (germline): Likely benign. Review status: criteria provided, multiple submitters, no conflicts (2 of 4 stars). 3 submissions from 3 submitters: Likely benign (2). 1 of the submissions does not count toward it. Last evaluated 2026-07-09.

Conditions:
Zellweger spectrum disorders (ZS). Also called: Zellweger syndrome; Zellweger Spectrum Disorder (ZSD); Zellweger Spectrum Disorder; Zellweger Spectrum. Identifiers: Orphanet 912, MedGen C0043459, MONDO:0019609.
PEX1-related disorder. Also called: PEX1-related condition.

Allele frequency attached by ClinVar (database versions not stated): gnomAD 0.00001; TOPMed 0.00003.
gnomAD v4.1: 5 of 1,547,274 alleles (0.00032%); highest among the groups gnomAD compares: Middle Eastern, 0.017%; no homozygotes.

Submissions (3):

PreventionGenetics, part of Exact Sciences
Classification: Likely benign for PEX1-related condition. Last evaluated: 2026-07-09. Review status: criteria provided, single submitter. Criteria: ACMG Guidelines, 2015. Collection method: clinical testing. Allele origin: germline.
Comment: This variant is classified as likely benign based on ACMG/AMP sequence variant interpretation guidelines (Richards et al. 2015 PMID: 25741868, with internal and published modifications).

Labcorp Genetics (formerly Invitae), Labcorp
Classification: Likely benign for Zellweger spectrum disorders. Last evaluated: 2023-10-08. Review status: criteria provided, single submitter. Criteria: Invitae Variant Classification Sherloc (09022015). Collection method: clinical testing. Allele origin: germline.

Natera, Inc.
Classification: Uncertain significance for Zellweger syndrome. Last evaluated: 2020-08-13. Review status: no assertion criteria provided. Collection method: clinical testing. Allele origin: germline. Not counted in ClinVar's aggregate classification.

NM_000466.3(PEX1):c.693C>T (p.Asn231=)

Gene: PEX1 (peroxisomal biogenesis factor 1; minus strand). Cytogenetic location: 7q21.2.
Variant type: single nucleotide variant.
Coding change: c.693C>T on transcript NM_000466.3 (MANE Select); coding-DNA position 693, C replaced by T.
Protein change: p.Asn231=; no amino-acid change (asparagine 231 retained).
Molecular consequence: synonymous variant.
Genome position (GRCh38, 1-based): chr7:92,517,822, G>A on the plus strand (C>T on the coding strand, the complement: PEX1 is on the minus strand). VCF-style: chr7-92517822-G-A. GRCh37 (hg19) VCF-style: chr7-92147136-G-A.
Other names: c.693C>T, p.Asn231= (NM_001282677.2); c.69C>T, p.Asn23= (NM_001282678.2); c.693C>T (NM_000466.2).
Identifiers: ClinVar variation 991199 (VCV000991199.6), dbSNP rs1463386429, ClinGen allele CA456624407.